The following is an entry in ClinVar:

ClinVar aggregate classification (germline): Uncertain significance. Review status: criteria provided, multiple submitters, no conflicts (2 of 4 stars). 2 submissions from 2 submitters: Uncertain significance (2). Last evaluated 2024-06-04.

Conditions:
Hypertrophic cardiomyopathy 14. Identifiers: MedGen C2750467, MONDO:0013197, OMIM 613251.

gnomAD v4.1: 2 of 1,614,216 alleles (0.00012%); highest among the groups gnomAD compares: Non-Finnish European, 0.000085%; no homozygotes.

Submissions (2):

Labcorp Genetics (formerly Invitae), Labcorp
Classification: Uncertain significance for Hypertrophic cardiomyopathy 14. Last evaluated: 2024-06-04. Review status: criteria provided, single submitter. Criteria: Invitae Variant Classification Sherloc (09022015). Collection method: clinical testing. Allele origin: germline.
Comment: This sequence change replaces leucine, which is neutral and non-polar, with methionine, which is neutral and non-polar, at codon 664 of the MYH6 protein (p.Leu664Met). This variant is present in population databases (no rsID available, gnomAD 0.004%). This variant has not been reported in the literature in individuals affected with MYH6-related conditions. Advanced modeling of protein sequence and biophysical properties (such as structural, functional, and spatial information, amino acid conservation, physicochemical variation, residue mobility, and thermodynamic stability) performed at Invitae indicates that this missense variant is expected to disrupt MYH6 protein function with a positive predictive value of 80%. In summary, the available evidence is currently insufficient to determine the role of this variant in disease. Therefore, it has been classified as a Variant of Uncertain Significance.

Blueprint Genetics
Classification: Uncertain significance. Last evaluated: 2019-12-18. Review status: criteria provided, single submitter. Criteria: ACMG Guidelines, 2015. Collection method: clinical testing. Allele origin: germline.

NM_002471.4(MYH6):c.1990C>A (p.Leu664Met)

Gene: MYH6 (myosin heavy chain 6; minus strand). Cytogenetic location: 14q11.2.
Variant type: single nucleotide variant.
Coding change: c.1990C>A on transcript NM_002471.4 (MANE Select); coding-DNA position 1990, C replaced by A.
Protein change: p.Leu664Met; replaces leucine 664 with methionine.
Molecular consequence: missense variant.
Genome position (GRCh38, 1-based): chr14:23,397,230, G>T on the plus strand (C>A on the coding strand, the complement: MYH6 is on the minus strand). VCF-style: chr14-23397230-G-T. GRCh37 (hg19) VCF-style: chr14-23866439-G-T.
Other names: short protein forms L664M.
Identifiers: ClinVar variation 3654733 (VCV003654733.3).
Genomic context (GRCh38, chr14:23,397,230, plus strand): 5'-CTGGAGCCTTCCGCTCATTGGGGATGATGCAACGCACAAAGTGAGGATGGGTGGTCCTCA[G>T]GTTGGTCATTAGCTTGTTGAGATTTTCCTGGAGGCAGATGAAGGTGGGGAGTTAGGAGCC-3'
Protein context (NP_002462.2, residues 654-674): RENLNKLMTN[Leu664Met]RTTHPHFVRC